The following is an entry in ClinVar:

ClinVar aggregate classification (germline): Uncertain significance (1 of 4 stars; one submission).

Conditions:
TBX3-related disorder. Also called: TBX3-related condition.

Allele frequency attached by ClinVar (database versions not stated): gnomAD 0.00001; TOPMed 0.00001.
gnomAD v4.1: 35 of 1,614,016 alleles (0.0022%); highest among the groups gnomAD compares: East Asian, 0.0045%; no homozygotes.

Submission:

PreventionGenetics, part of Exact Sciences
Classification: Uncertain significance for TBX3-related condition. Last evaluated: 2023-08-13. Review status: criteria provided, single submitter. Criteria: ACMG Guidelines, 2015. Collection method: clinical testing. Allele origin: germline.
Comment: The TBX3 c.682G>A variant is predicted to result in the amino acid substitution p.Ala228Thr. To our knowledge, this variant has not been reported in the literature. This variant is reported in 0.0054% of alleles in individuals of East Asian descent in gnomAD. At this time, the clinical significance of this variant is uncertain due to the absence of conclusive functional and genetic evidence.

NM_005996.4(TBX3):c.658-297G>A

Gene: TBX3 (T-box transcription factor 3; minus strand). Cytogenetic location: 12q24.21.
Variant type: single nucleotide variant.
Coding change: c.658-297G>A on transcript NM_005996.4 (MANE Select); 297 bases into the intron before coding-DNA position 658, G replaced by A.
Molecular consequence: intron variant. On other transcripts: missense variant (1).
Genome position (GRCh38, 1-based): chr12:114,679,948, C>T on the plus strand (G>A on the coding strand, the complement: TBX3 is on the minus strand). VCF-style: chr12-114679948-C-T. GRCh37 (hg19) VCF-style: chr12-115117753-C-T.
Other names: c.682G>A, p.Ala228Thr (NM_016569.4); short protein forms A228T.
Identifiers: ClinVar variation 2634954 (VCV002634954.1), dbSNP rs765693432, ClinGen allele CA6810135.